The following is an entry in ClinVar:

NM_006035.4(CDC42BPB):c.4707G>A (p.Arg1569=)

Gene: CDC42BPB (CDC42 binding protein kinase beta; minus strand). Cytogenetic location: 14q32.32.
Variant type: single nucleotide variant.
Coding change: c.4707G>A on transcript NM_006035.4 (MANE Select); coding-DNA position 4707, G replaced by A.
Protein change: p.Arg1569=; no amino-acid change (arginine 1569 retained).
Molecular consequence: synonymous variant.
Genome position (GRCh38, 1-based): chr14:102,939,832, C>T on the plus strand (G>A on the coding strand, the complement: CDC42BPB is on the minus strand). VCF-style: chr14-102939832-C-T. GRCh37 (hg19) VCF-style: chr14-103406169-C-T.
Identifiers: ClinVar variation 779741 (VCV000779741.6), dbSNP rs60475222, ClinGen allele CA7360342.
Genomic context (GRCh38, chr14:102,939,832, plus strand): 5'-CCTCTTGGCCCCCTCCCTAGAGCGAGGCCCAGCAGGCCCCGTGAGGCCCCGCTCCTACCG[C>T]CTCTGCTGCAGTCTCTCTTCCTCTGGGACCTTGAAGACGAACCGCCTTTTGCTCCTGGTG-3'
Protein context (NP_006026.3, residues 1559-1579): KVPEEERLQQ[Arg1569=]REMLRDPELR

ClinVar aggregate classification (germline): Benign. Review status: criteria provided, multiple submitters, no conflicts (2 of 4 stars). 3 submissions from 3 submitters: Benign (2). 1 of the submissions does not count toward it. Last evaluated 2018-06-27.

Conditions:
CDC42BPB-related disorder.

Allele frequency attached by ClinVar (database versions not stated): gnomAD exomes 0.00074 and 0.00191; ExAC 0.00227; gnomAD 0.00826 and 0.00889; 1000 Genomes Project 0.00699; 1000 Genomes Project 30x 0.00734; ESP Exome Variant Server 0.00846; TOPMed 0.00870.

Submissions (3):

Labcorp Genetics (formerly Invitae), Labcorp
Classification: Benign. Last evaluated: 2018-06-27. Review status: criteria provided, single submitter. Criteria: Invitae Variant Classification Sherloc (09022015). Collection method: clinical testing. Allele origin: germline.

Breakthrough Genomics
Classification: Benign. Review status: criteria provided, single submitter. Criteria: ACMG Guidelines, 2015. Collection method: not provided. Allele origin: germline. Inheritance: Autosomal dominant inheritance. Affected: yes.

PreventionGenetics, part of Exact Sciences
Classification: Benign for CDC42BPB-related condition. Last evaluated: 2022-06-21. Review status: no assertion criteria provided. Collection method: clinical testing. Allele origin: germline. Not counted in ClinVar's aggregate classification.
Comment: This variant is classified as benign based on ACMG/AMP sequence variant interpretation guidelines (Richards et al. 2015 PMID: 25741868, with internal and published modifications).